The following is an entry in ClinVar:

NM_001024383.2(NAV3):c.3867G>T (p.Glu1289Asp)

Gene: NAV3 (neuron navigator 3; plus strand). Cytogenetic location: 12q21.2.
Variant type: single nucleotide variant.
Coding change: c.3867G>T on transcript NM_001024383.2 (MANE Select); coding-DNA position 3867, G replaced by T.
Protein change: p.Glu1289Asp; replaces glutamic acid 1289 with aspartic acid.
Molecular consequence: missense variant.
Genome position (GRCh38, 1-based): chr12:78,122,057, G>T. VCF-style: chr12-78122057-G-T. GRCh37 (hg19) VCF-style: chr12-78515837-G-T.
Other names: c.2367G>T, p.Glu789Asp (NM_001438019.1); c.3867G>T, p.Glu1289Asp (NM_014903.6); short protein forms E1289D, E789D.
Identifiers: ClinVar variation 4279961 (VCV004279961.1).
Genomic context (GRCh38, chr12:78,122,057, plus strand): 5'-GAAATCTTCCTCAGTAATGCCCAGCCCTAGTACCACATTAGCGCGGCAAGGCAGTCTGGA[G>T]TCACCGTCGTCCGGTACGGGCAGCATGGGCAGTGCTGGTGGGCTAAGCGGCAGCAGCAGC-3'
Protein context (NP_001019554.1, residues 1279-1299): STTLARQGSL[Glu1289Asp]SPSSGTGSMG

ClinVar aggregate classification (germline): Uncertain significance (1 of 4 stars; one submission).

Conditions:
Neurodevelopmental disorder with poor or absent speech, dysmorphic facies, and behavioral abnormalities. Also called: UMAIR-ALFADHEL NEURODEVELOPMENTAL DISORDER. Identifiers: MedGen C6012716, MONDO:0976285, OMIM 621182.

gnomAD v4.1: 101 of 1,614,080 alleles (0.0063%); highest among the groups gnomAD compares: Non-Finnish European, 0.0081%; no homozygotes.

Submission:

Clinical Genomics Laboratory, Washington University in St. Louis
Classification: Uncertain significance for Neurodevelopmental disorder with poor or absent speech, dysmorphic facies, and behavioral abnormalities. Last evaluated: 2025-01-20. Review status: criteria provided, single submitter. Criteria: ACMG Guidelines, 2015. Collection method: clinical testing. Allele origin: germline.
Comment: The NAV3 c.3867G>T (p.Glu1289Asp) variant, to our knowledge, has not been reported in the medical literature. This variant is only observed on 9 out of 128698 alleles in the general population (gnomAD v.2.1.1), indicating it is not a common variant. Computational predictors suggest that the variant does not impact NAV3 function. Due to limited information, and based on ACMG/AMP guidelines for variant interpretation (Richards S et al., PMID: 25741868), the clinical significance of this variant is uncertain at this time.